The following is an entry in ClinVar:

NM_006662.3(SRCAP):c.1417A>G (p.Asn473Asp)

Gene: SRCAP (Snf2 related CREBBP activator protein; plus strand). Cytogenetic location: 16p11.2.
Variant type: single nucleotide variant.
Coding change: c.1417A>G on transcript NM_006662.3 (MANE Select); coding-DNA position 1417, A replaced by G.
Protein change: p.Asn473Asp; replaces asparagine 473 with aspartic acid.
Molecular consequence: missense variant.
Genome position (GRCh38, 1-based): chr16:30,711,669, A>G. VCF-style: chr16-30711669-A-G. GRCh37 (hg19) VCF-style: chr16-30722990-A-G.
Other names: short protein forms N473D.
Identifiers: ClinVar variation 4174642 (VCV004174642.2).
Genomic context (GRCh38, chr16:30,711,669, plus strand): 5'-GGAGCCTATGCCCCAGGCTCTGGGAGCAGTGAAGATGAGGATGAAGATGAGGTTGATGCT[A>G]ATAGCTCTGACTGTGAACCAGAGGGGCCCGTGGAAGCGGAAGAGCCTCCTCAGGAGGATA-3'
Protein context (NP_006653.2, residues 463-483): EDEDEDEVDA[Asn473Asp]SSDCEPEGPV

ClinVar aggregate classification (germline): Conflicting classifications of pathogenicity. Review status: criteria provided, conflicting classifications (1 of 4 stars). 2 submissions from 2 submitters: Uncertain significance (1); Likely benign (1). Last evaluated 2025-08-30.

Conditions:
Inborn genetic diseases. Identifiers: MedGen C0950123, MeSH D030342.

gnomAD v4.1: 66 of 1,614,108 alleles (0.0041%); highest among the groups gnomAD compares: South Asian, 0.058%; 1 homozygote.

Submissions (2):

Ambry Genetics
Classification: Likely benign for Inborn genetic diseases. Last evaluated: 2025-08-30. Review status: criteria provided, single submitter. Criteria: Ambry Variant Classification Scheme 2023. Collection method: clinical testing. Allele origin: germline.

Labcorp Genetics (formerly Invitae), Labcorp
Classification: Uncertain significance. Last evaluated: 2025-08-19. Review status: criteria provided, single submitter. Criteria: Invitae Variant Classification Sherloc (09022015). Collection method: clinical testing. Allele origin: germline.
Comment: This sequence change replaces asparagine, which is neutral and polar, with aspartic acid, which is acidic and polar, at codon 473 of the SRCAP protein (p.Asn473Asp). This variant is present in population databases (rs573674824, gnomAD 0.06%), and has an allele count higher than expected for a pathogenic variant. This variant has not been reported in the literature in individuals affected with SRCAP-related conditions. Invitae Evidence Modeling of protein sequence and biophysical properties (such as structural, functional, and spatial information, amino acid conservation, physicochemical variation, residue mobility, and thermodynamic stability) indicates that this missense variant is not expected to disrupt SRCAP protein function with a negative predictive value of 80%. In summary, the available evidence is currently insufficient to determine the role of this variant in disease. Therefore, it has been classified as a Variant of Uncertain Significance.